The following is an entry in ClinVar:

ClinVar aggregate classification (germline): Uncertain significance (1 of 4 stars; one submission).

Conditions:
Developmental and epileptic encephalopathy, 30 (DEE30). Also called: Epileptic encephalopathy, early infantile, 30. Identifiers: MedGen C4225360, MONDO:0014595, OMIM 616341.

Allele frequency attached by ClinVar (database versions not stated): gnomAD exomes 0.00001; gnomAD 0.00006.

Submission:

Labcorp Genetics (formerly Invitae), Labcorp
Classification: Uncertain significance for Developmental and epileptic encephalopathy, 30. Last evaluated: 2024-07-22. Review status: criteria provided, single submitter. Criteria: Invitae Variant Classification Sherloc (09022015). Collection method: clinical testing. Allele origin: germline.
Comment: This sequence change affects codon 420 of the SIK1 mRNA. It is a 'silent' change, meaning that it does not change the encoded amino acid sequence of the SIK1 protein. The frequency data for this variant in the population databases is considered unreliable, as metrics indicate poor data quality at this position in the gnomAD database. This variant has been observed in individual(s) with clinical features of developmental and epileptic encephalopathy (Invitae). ClinVar contains an entry for this variant (Variation ID: 654402). Algorithms developed to predict the effect of sequence changes on RNA splicing suggest that this variant may create or strengthen a splice site. In summary, the available evidence is currently insufficient to determine the role of this variant in disease. Therefore, it has been classified as a Variant of Uncertain Significance.

NM_173354.5(SIK1):c.1260G>A (p.Pro420=)

Gene: SIK1 (salt inducible kinase 1; minus strand). Cytogenetic location: 21q22.3.
Variant type: single nucleotide variant.
Coding change: c.1260G>A on transcript NM_173354.5 (MANE Select); coding-DNA position 1260, G replaced by A.
Protein change: p.Pro420=; no amino-acid change (proline 420 retained).
Molecular consequence: synonymous variant.
Genome position (GRCh38, 1-based): chr21:43,419,223, C>T on the plus strand (G>A on the coding strand, the complement: SIK1 is on the minus strand). VCF-style: chr21-43419223-C-T. GRCh37 (hg19) VCF-style: chr21-44839103-C-T.
Identifiers: ClinVar variation 654402 (VCV000654402.9), dbSNP rs776487308, ClinGen allele CA321325939.